The following is an entry in ClinVar:

ClinVar aggregate classification (germline): Pathogenic. Review status: criteria provided, multiple submitters, no conflicts (2 of 4 stars). 9 submissions from 9 submitters: Pathogenic (6). 3 of the submissions do not count toward it. Last evaluated 2025-06-19.

Conditions:
CSTB-related disorder. Also called: CSTB-related condition.
Self-limited epilepsy with centrotemporal spikes. Also called: Childhood epilepsy with centrotemporal spikes; Rolandic epilepsy. Identifiers: Orphanet 1945, MedGen C0376532, MONDO:0007295.
Progressive myoclonic epilepsy. Also called: Progressive myoclonus epilepsy; Myoclonus epilepsy; Familial progressive myoclonic epilepsy; Myoclonic Epilepsies, Progressive. Identifiers: Orphanet 308, Orphanet 98261, MedGen C0751778, MONDO:0020074.
Unverricht-Lundborg syndrome. Also called: Myoclonic epilepsy of unverricht and lundborg; Progressive myoclonus epilepsy baltic myoclonic epilepsy; Myoclonus progressive epilepsy of Unverricht and Lundborg; EPILEPSY, PROGRESSIVE MYOCLONIC, 1A; Unverricht-Lundborg Disease; Epilepsy, progressive myoclonic 1A (Unverricht and Lundborg). Identifiers: Orphanet 308, MedGen C0751785, MONDO:0009698, OMIM 254800.
Dystonic disorder. Also called: Dystonia. Identifiers: MedGen C0013421, MONDO:0003441, HP:0001332.
Motor delay. Also called: Motor retardation; Motor Developmental Delay. Identifiers: MedGen C1854301, HP:0001270.
Progressive microcephaly. Identifiers: MedGen C1850456, HP:0000253.
Dyskinesia. Identifiers: MedGen C0013384, HP:0100660.
Aplasia/Hypoplasia of the corpus callosum. Identifiers: MedGen C1861866, HP:0007370.
Severe global developmental delay. Also called: Severe psychomotor retardation. Identifiers: MedGen C1837397, HP:0011344.
Global brain atrophy. Identifiers: MedGen C0241816, HP:0002283.
Severe intellectual disability. Identifiers: MedGen C0036857, HP:0010864.

Allele frequency attached by ClinVar (database versions not stated): gnomAD 0.00001 and 0.00002; TOPMed 0.00002; ExAC 0.00003; gnomAD exomes 0.00004.

Submissions (9):

Labcorp Genetics (formerly Invitae), Labcorp
Classification: Pathogenic for Progressive myoclonic epilepsy. Last evaluated: 2025-06-19. Review status: criteria provided, single submitter. Criteria: Invitae Variant Classification Sherloc (09022015). Collection method: clinical testing. Allele origin: germline.
Comment: This sequence change creates a premature translational stop signal (p.Arg68*) in the CSTB gene. While this is not anticipated to result in nonsense mediated decay, it is expected to disrupt the last 31 amino acid(s) of the CSTB protein. This variant is present in population databases (rs74315442, gnomAD 0.009%). This premature translational stop signal has been observed in individual(s) with progressive myoclonus epilepsy (PMID: 8596935, 26843564). It has also been observed to segregate with disease in related individuals. ClinVar contains an entry for this variant (Variation ID: 8396). Algorithms developed to predict the effect of variants on gene product structure and function are not available or were not evaluated for this variant. Experimental studies have shown that this premature translational stop signal affects CSTB function (PMID: 15483648). Algorithms developed to predict the effect of sequence changes on RNA splicing suggest that this variant may create or strengthen a splice site. This variant disrupts a region of the CSTB protein in which other variant(s) (p.Leu73Profs*3) have been determined to be pathogenic (PMID: 9054946, 9342192, 15483648, 17920138). This suggests that this is a clinically significant region of the protein, and that variants that disrupt it are likely to be disease-causing. For these reasons, this variant has been classified as Pathogenic.

Blueprint Genetics
Classification: Pathogenic for CSTB-related disorders. Last evaluated: 2024-06-07. Review status: criteria provided, single submitter. Criteria: ACMG Guidelines, 2015. Collection method: clinical testing. Allele origin: germline. Affected: yes. Observed: 5 variant alleles.

Clinical Genomics Laboratory, Washington University in St. Louis
Classification: Pathogenic for Unverricht-Lundborg syndrome. Last evaluated: 2024-01-25. Review status: criteria provided, single submitter. Criteria: ACMG Guidelines, 2015. Collection method: clinical testing. Allele origin: germline.
Comment: The CSTB c.202C>T (p.Arg68Ter) variant has been reported in over 10 patients with Unverricht-Lundborg syndrome and is reported to segregate with disease in six individuals in three families (Koskenkorva P et al., PMID: 21757863; Lafreniere RG et al., PMID: 9054946; Mancini GM et al., PMID: 26843564, Pennacchio LA et al., PMID: 8596935). Of those individuals, two siblings were homozygous for the variant (Mancini GM et al., PMID: 26843564) and seven were compound heterozygous for the variant and a pathogenic repeat expansion confirmed in trans (Koskenkorva P et al., PMID: 21757863). This variant leads to a premature termination codon; however, because this occurs in the last exon, this is not predicted to lead to nonsense mediated decay. It does disrupt the last 31 amino acids of the CSTB protein. Functional studies show protein aggregation in the perinuclear region and reduced cell viability compared to wild type, indicating that this variant impacts protein function (Ceru S et al., PMID: 20078424; Rabzelj S et al., PMID: 16155205). This variant is only observed on 13 out of 282,868 alleles in the general population (gnomAD v.2.1.1), indicating it is not a common variant. This variant has been reported in the ClinVar database as a germline pathogenic variant by five submitters. Based on available information and the ACMG/AMP guidelines for variant interpretation (Richards S et al., PMID: 25741868), this variant is classified as pathogenic.

Athena Diagnostics
Classification: Pathogenic. Last evaluated: 2022-06-17. Review status: criteria provided, single submitter. Criteria: Athena Diagnostics Criteria. Collection method: clinical testing. Allele origin: unknown.
Comment: This variant is expected to result in the loss of a functional protein. The frequency of this variant in the general population is consistent with pathogenicity. This variant has been identified in multiple unrelated individuals with clinical features associated with progressive myoclonic epilepsy. Assessment of experimental evidence suggests this variant results in abnormal protein function. Studies show this variant leads to the formation of protein aggregates (PMID: 17920138, 20078424)

Centre for Mendelian Genomics, University Medical Centre Ljubljana
Classification: Pathogenic for Aplasia/Hypoplasia of the corpus callosum; Dyskinesia; Dystonic disorder; Global brain atrophy; Severe intellectual disability; Motor delay; Progressive microcephaly; Severe global developmental delay. Last evaluated: 2017-01-01. Review status: criteria provided, single submitter. Criteria: ACMG Guidelines, 2015. Collection method: clinical testing. Allele origin: unknown. Affected: yes.

Illumina Laboratory Services, Illumina
Classification: Pathogenic for Unverricht-Lundborg Disease. Last evaluated: 2016-06-14. Review status: criteria provided, single submitter. Criteria: ICSL Variant Classification 20161018. Collection method: clinical testing. Allele origin: germline.
Comment: The c.202C>T (p.Arg68Ter) variant has been reported in at least five studies in which it is found in a total of 11 Unverricht-Lundborg disease patients, including two affected siblings in a homozygous state, seven patients in a compound heterozygous state (including two sibling pairs), and in two patient alleles where zygosity was not specified (Pennacchio et al. 1996; LafreniÃ¨re et al. 1997; de Haan et al. 2004; Koskenkorva et al. 2010; Mancini et al. 2016). The p.Arg68Ter variant was absent from 377 controls but is reported at a frequency of 0.00006 in the European (Non-Finnish) population of the Exome Aggregation Consortium. Functional analyses demonstrated that the variant resulted in reduced cell viability by 26% compared to wild-type in transfected CHO-K1 cells (Ceru et al. 2010). Additionally, the p.Arg68Ter variant protein did not localize to the nucleus. The variant produced an unfolded protein leading to protein aggregation which resulted in perinuclear aggregates that were more pronounced than wild type (Rabzelj et al. 2005; Ceru et al. 2010; Polajnar et al. 2012). Based on the evidence and the potential impact of stop-gained variants, the p.Arg68Ter variant is classified as pathogenic for Unverricht-Lundborg disease.

Bioinformatics Core, Luxembourg Center for Systems Biomedicine
Classification: Pathogenic for Self-limited epilepsy with centrotemporal spikes. Last evaluated: 2017-01-01. Review status: no assertion criteria provided. Collection method: case-control. Allele origin: germline. Affected: yes. Study: EUROEPINOMICS COGIE. Not counted in ClinVar's aggregate classification.

OMIM
Classification: Pathogenic for MYOCLONIC EPILEPSY OF UNVERRICHT AND LUNDBORG. Last evaluated: 2005-02-01. Review status: no assertion criteria provided. Collection method: literature only. Allele origin: germline. Not counted in ClinVar's aggregate classification.

GeneReviews
No classification provided. Condition: Unverricht-Lundborg syndrome. Review status: no classification provided. Collection method: literature only. Allele origin: germline. Affected: yes. Not counted in ClinVar's aggregate classification.

Literature cited by the submitters: PubMed 8596935 (cited by 4 submitters); PubMed 26843564 (cited by 3 submitters); PubMed 15483648 (cited by 4 submitters); PubMed 9054946 (cited by 3 submitters); PubMed 9342192 (cited by Labcorp Genetics (formerly Invitae), Labcorp); PubMed 17920138 (cited by Labcorp Genetics (formerly Invitae), Labcorp and Athena Diagnostics); PubMed 21757863 (cited by Athena Diagnostics and Illumina Laboratory Services, Illumina); PubMed 20078424 (cited by Athena Diagnostics and Illumina Laboratory Services, Illumina); PubMed 16155205 (cited by Athena Diagnostics and Illumina Laboratory Services, Illumina); PubMed 15329070 (cited by Athena Diagnostics and Illumina Laboratory Services, Illumina); PubMed 18028412 (cited by Illumina Laboratory Services, Illumina); PubMed 18925453 (cited by Illumina Laboratory Services, Illumina); PubMed 22936898 (cited by Illumina Laboratory Services, Illumina); PubMed 29358611 (cited by Bioinformatics Core, Luxembourg Center for Systems Biomedicine); NCBI Bookshelf NBK1142 (cited by GeneReviews).

NM_000100.4(CSTB):c.202C>T (p.Arg68Ter)

Gene: CSTB (cystatin B; minus strand). Cytogenetic location: 21q22.3.
Variant type: single nucleotide variant.
Coding change: c.202C>T on transcript NM_000100.4 (MANE Select); coding-DNA position 202, C replaced by T.
Protein change: p.Arg68Ter; replaces arginine 68 with a stop codon.
Molecular consequence: nonsense.
Genome position (GRCh38, 1-based): chr21:43,774,297, G>A on the plus strand (C>T on the coding strand, the complement: CSTB is on the minus strand). VCF-style: chr21-43774297-G-A. GRCh37 (hg19) VCF-style: chr21-45194178-G-A.
Other names: short protein forms R68*.
Identifiers: ClinVar variation 8396 (VCV000008396.20), dbSNP rs74315442, ClinGen allele CA314304.